The following is an entry in ClinVar:

ClinVar aggregate classification (germline): Uncertain significance (0 of 4 stars; one submission).

Conditions:
ITGA2-related disorder. Also called: ITGA2-related condition.

Allele frequency attached by ClinVar (database versions not stated): ExAC 0.00002; gnomAD 0.00005; TOPMed 0.00007.

Submission:

PreventionGenetics, part of Exact Sciences
Classification: Uncertain significance for ITGA2-related condition. Last evaluated: 2024-01-30. Review status: no assertion criteria provided. Collection method: clinical testing. Allele origin: germline.
Comment: The ITGA2 c.2717C>T variant is predicted to result in the amino acid substitution p.Ala906Val. To our knowledge, this variant has not been reported in the literature. This variant is reported in 0.0098% of alleles in individuals of South Asian descent in gnomAD. At this time, the clinical significance of this variant is uncertain due to the absence of conclusive functional and genetic evidence.

NM_002203.4(ITGA2):c.2717C>T (p.Ala906Val)

Gene: ITGA2 (integrin subunit alpha 2; plus strand). Cytogenetic location: 5q11.2.
Variant type: single nucleotide variant.
Coding change: c.2717C>T on transcript NM_002203.4 (MANE Select); coding-DNA position 2717, C replaced by T.
Protein change: p.Ala906Val; replaces alanine 906 with valine.
Molecular consequence: missense variant. On other transcripts: non-coding transcript variant (5).
Genome position (GRCh38, 1-based): chr5:53,075,113, C>T. VCF-style: chr5-53075113-C-T. GRCh37 (hg19) VCF-style: chr5-52370943-C-T.
Other names: short protein forms A906V.
Identifiers: ClinVar variation 3036864 (VCV003036864.2), dbSNP rs746293859, ClinGen allele CA3263284.